The following is an entry in ClinVar:

NM_206933.4(USH2A):c.457T>A (p.Trp153Arg)

Gene: USH2A (usherin; minus strand). Cytogenetic location: 1q41.
Variant type: single nucleotide variant.
Coding change: c.457T>A on transcript NM_206933.4 (MANE Select); coding-DNA position 457, T replaced by A.
Protein change: p.Trp153Arg; replaces tryptophan 153 with arginine.
Molecular consequence: missense variant.
Genome position (GRCh38, 1-based): chr1:216,421,880, A>T on the plus strand (T>A on the coding strand, the complement: USH2A is on the minus strand). VCF-style: chr1-216421880-A-T. GRCh37 (hg19) VCF-style: chr1-216595222-A-T.
Other names: c.457T>A, p.Trp153Arg (NM_007123.6); short protein forms W153R.
Identifiers: ClinVar variation 5003887 (VCV005003887.1).

ClinVar aggregate classification (germline): Uncertain significance (1 of 4 stars; one submission).

Conditions:
USH2A-related disorder. Also called: USH2A-related disorders; USH2A-related condition. Identifiers: MedGen CN239332.

Submission:

Myriad Genetics, Inc.
Classification: Uncertain significance for USH2A-related disorder. Last evaluated: 2025-11-14. Review status: criteria provided, single submitter. Criteria: Myriad Autosomal Dominant, Autosomal Recessive and X-Linked Classification Criteria (2023). Collection method: clinical testing. Allele origin: unknown.
Comment: NM_206933.2(USH2A):c.457T>A(W153R) is a missense variant classified as a variant of uncertain significance in the context of USH2A-related disorders. W153R has been observed in a case with relevant disease (PMID: 32098976). Relevant functional assessments of this variant are not available in the literature. W153R has not been observed in referenced population frequency databases. In summary, there is insufficient evidence to classify NM_206933.2(USH2A):c.457T>A(W153R) as pathogenic or benign. Please note: this variant was assessed in the context of healthy population screening.

Literature cited by the submitters: PubMed 32098976.